The following is an entry in ClinVar:

NM_000256.3(MYBPC3):c.1546G>A (p.Glu516Lys)

Gene: MYBPC3 (myosin binding protein C3; minus strand). Cytogenetic location: 11p11.2.
Variant type: single nucleotide variant.
Coding change: c.1546G>A on transcript NM_000256.3 (MANE Select); coding-DNA position 1546, G replaced by A.
Protein change: p.Glu516Lys; replaces glutamic acid 516 with lysine.
Molecular consequence: missense variant.
Genome position (GRCh38, 1-based): chr11:47,342,656, C>T on the plus strand (G>A on the coding strand, the complement: MYBPC3 is on the minus strand). VCF-style: chr11-47342656-C-T. GRCh37 (hg19) VCF-style: chr11-47364207-C-T.
Other names: p.E516K:GAG>AAG; p.Glu516Lys; c.1546G>A, p.Glu516Lys (LRG_386t1); short protein forms E516K.
Identifiers: ClinVar variation 180942 (VCV000180942.23), dbSNP rs730880545, ClinGen allele CA010618.

ClinVar aggregate classification (germline): Uncertain significance. Review status: criteria provided, multiple submitters, no conflicts (2 of 4 stars). 8 submissions from 8 submitters: Uncertain significance (8). Last evaluated 2025-07-05.

Conditions:
MYBPC3-related disorder. Also called: MYBPC3-related disorders; MYBPC3-related condition; MYBPC3-related disease.
Cardiovascular phenotype. Identifiers: MedGen CN230736.
Cardiomyopathy (CMYO). Also called: Cardiomyopathies. Identifiers: Orphanet 167848, MedGen C0878544, MONDO:0004994, HP:0001638. Inheritance: Various modes of inheritance.
Hypertrophic cardiomyopathy. Also called: HYPERTROPHIC MYOCARDIOPATHY. Identifiers: Orphanet 217569, MedGen C0007194, MeSH D002312, MONDO:0005045, HP:0001639.

Allele frequency attached by ClinVar (database versions not stated): gnomAD below 0.00001 and 0.00001; TOPMed 0.00001; gnomAD exomes 0.00003; ExAC 0.00004.
gnomAD v4.1: 22 of 1,613,892 alleles (0.0014%); highest among the groups gnomAD compares: South Asian, 0.016%; no homozygotes.

Submissions (8):

PreventionGenetics, part of Exact Sciences
Classification: Uncertain significance for MYBPC3-related condition. Last evaluated: 2025-07-05. Review status: criteria provided, single submitter. Criteria: ACMG Guidelines, 2015. Collection method: clinical testing. Allele origin: germline.
Comment: The MYBPC3 c.1546G>A variant is predicted to result in the amino acid substitution p.Glu516Lys. To our knowledge, this variant has not been reported in the literature. This variant is reported in 0.022% of alleles in individuals of East Asian descent in gnomAD. At this time, the clinical significance of this variant is uncertain due to the absence of conclusive functional and genetic evidence.

Labcorp Genetics (formerly Invitae), Labcorp
Classification: Uncertain significance for Hypertrophic cardiomyopathy. Last evaluated: 2025-02-11. Review status: criteria provided, single submitter. Criteria: Invitae Variant Classification Sherloc (09022015). Collection method: clinical testing. Allele origin: germline.
Comment: This sequence change replaces glutamic acid, which is acidic and polar, with lysine, which is basic and polar, at codon 516 of the MYBPC3 protein (p.Glu516Lys). This variant is present in population databases (rs730880545, gnomAD 0.02%). This variant has not been reported in the literature in individuals affected with MYBPC3-related conditions. ClinVar contains an entry for this variant (Variation ID: 180942). An algorithm developed to predict the effect of missense changes on protein structure and function (PolyPhen-2) suggests that this variant is likely to be tolerated. In summary, the available evidence is currently insufficient to determine the role of this variant in disease. Therefore, it has been classified as a Variant of Uncertain Significance.

Ambry Genetics
Classification: Uncertain significance for Cardiovascular phenotype. Last evaluated: 2024-11-20. Review status: criteria provided, single submitter. Criteria: Ambry Variant Classification Scheme 2023. Collection method: clinical testing. Allele origin: germline.
Comment: The p.E516K variant (also known as c.1546G>A), located in coding exon 17 of the MYBPC3 gene, results from a G to A substitution at nucleotide position 1546. The glutamic acid at codon 516 is replaced by lysine, an amino acid with similar properties. This amino acid position is highly conserved in available vertebrate species. In addition, the in silico prediction for this alteration is inconclusive. Based on the available evidence, the clinical significance of this variant remains unclear.

Blueprint Genetics
Classification: Uncertain significance. Last evaluated: 2024-03-18. Review status: criteria provided, single submitter. Criteria: ACMG Guidelines, 2015. Collection method: clinical testing. Allele origin: germline.

Mayo Clinic Laboratories, Mayo Clinic
Classification: Uncertain significance. Last evaluated: 2023-12-12. Review status: criteria provided, single submitter. Criteria: ACMG Guidelines, 2015. Collection method: clinical testing. Allele origin: germline. Observed: 3 variant alleles.

All of Us Research Program, National Institutes of Health
Classification: Uncertain significance for Hypertrophic cardiomyopathy. Last evaluated: 2023-08-08. Review status: criteria provided, single submitter. Criteria: ACMG Guidelines, 2015. Collection method: clinical testing. Allele origin: germline. Inheritance: Autosomal dominant inheritance. Observed: 2 variant alleles, 2 heterozygotes.
Comment: This missense variant replaces glutamic acid with lysine at codon 516 of the MYBPC3 protein. Computational prediction suggests that this variant may not impact protein structure and function (internally defined REVEL score threshold <= 0.5, PMID: 27666373). Splice site prediction tools suggest that this variant may not impact RNA splicing. To our knowledge, functional studies have not been performed for this variant. This variant has not been reported in individuals affected with cardiovascular disorders in the literature. This variant has been identified in 8/249246 chromosomes in the general population by the Genome Aggregation Database (gnomAD). The available evidence is insufficient to determine the role of this variant in disease conclusively. Therefore, this variant is classified as a Variant of Uncertain Significance.

This study involves interpretation of variants in research participants for the purpose of population health screening. Participant phenotype was not available at the time of variant classification. Additional details can be found in publication PMID: 35346344, PMCID: PMC8962531

Color Diagnostics, LLC DBA Color Health
Classification: Uncertain significance for Cardiomyopathy. Last evaluated: 2023-03-24. Review status: criteria provided, single submitter. Criteria: ACMG Guidelines, 2015. Collection method: clinical testing. Allele origin: germline.
Comment: This missense variant replaces glutamic acid with lysine at codon 516 of the MYBPC3 protein. Computational prediction suggests that this variant may not impact protein structure and function (internally defined REVEL score threshold <= 0.5, PMID: 27666373). To our knowledge, functional studies have not been reported for this variant. This variant has not been reported in individuals affected with MYBPC3-related disorders in the literature. This variant has been identified in 8/249246 chromosomes in the general population by the Genome Aggregation Database (gnomAD). The available evidence is insufficient to determine the role of this variant in disease conclusively. Therefore, this variant is classified as a Variant of Uncertain Significance.

GeneDx
Classification: Uncertain significance. Last evaluated: 2014-05-13. Review status: criteria provided, single submitter. Criteria: GeneDx Variant Classification (06012015). Collection method: clinical testing. Allele origin: germline. Affected: yes.
Comment: p.Glu516Lys (GAG>AAG): c.1546 G>A in exon 17 of the MYBPC3 gene (NM_000256.3). A variant of unknown significance has been identified in the MYBPC3 gene. The E516K variant has not been published as a mutation or as a benign polymorphism to our knowledge. The E516K variant was not observed in approximately 6400 individuals of European and African American ancestry in the NHLBI Exome Sequencing Project, indicating it is not a common benign variant in these populations The E516K variant is a non-conservative amino acid substitution, which is likely to impact secondary protein structure as these residues differ in polarity, charge, size and/or other properties. This substitution occurs at a position that is conserved in mammals and class conserved across species. Missense mutations in nearby residues (G507R, A522T) have been reported in association with HCM, supporting the functional importance of this region of the protein. Nevertheless, in silico analysis is inconsistent in its predictions as to whether or not the variant is damaging to the protein structure/function. Therefore, based on the currently available information, it is unclear whether this variant is a pathogenic mutation or a rare benign variant. Mutations in the MYBPC3 gene have been reported in 20%-30% of patients with autosomal dominant familial HCM, and have been reported less frequently in patients with autosomal dominant familial DCM (CirinoAet al., 2011; Hershberger R et al., 2009). The variant is found in CARDIOMYOPATHY panel(s).